The following is an entry in ClinVar:

ClinVar aggregate classification (germline): Uncertain significance (1 of 4 stars; one submission).

Submission:

Women's Health and Genetics/Laboratory Corporation of America, LabCorp
Classification: Uncertain significance. Last evaluated: 2026-04-21. Review status: criteria provided, single submitter. Criteria: LabCorp Variant Classification Summary - May 2015. Collection method: clinical testing. Allele origin: germline.
Comment: Variant summary: PTS c.46C>G (p.Arg16Gly) results in a non-conservative amino acid change in the encoded protein sequence. Algorithms developed to predict the effect of missense changes on protein structure and function all suggest that this variant is likely to be disruptive. The variant was absent in 202108 control chromosomes (gnomAD). The available data on variant occurrences in the general population are insufficient to allow any conclusion about variant significance. To our knowledge, no occurrence of c.46C>G in individuals affected with PTS-related conditions and no experimental evidence demonstrating its impact on protein function have been reported. No submitters have cited clinical-significance assessments for this variant to ClinVar. Based on the evidence outlined above, the variant was classified as uncertain significance.

NM_000317.3(PTS):c.46C>G (p.Arg16Gly)

Genes: PTS (6-pyruvoyltetrahydropterin synthase; plus strand), LOC130006765 (ATAC-STARR-seq lymphoblastoid silent region 3906; plus strand). Cytogenetic location: 11q23.1.
Variant type: single nucleotide variant.
Coding change: c.46C>G on transcript NM_000317.3 (MANE Select); coding-DNA position 46, C replaced by G.
Protein change: p.Arg16Gly; replaces arginine 16 with glycine.
Molecular consequence: missense variant.
Genome position (GRCh38, 1-based): chr11:112,226,489, C>G. VCF-style: chr11-112226489-C-G. GRCh37 (hg19) VCF-style: chr11-112097212-C-G.
Other names: short protein forms R16G.
Identifiers: ClinVar variation 4849191 (VCV004849191.1).
Genomic context (GRCh38, chr11:112,226,489, plus strand): 5'-GACAGCGCCGGGAAGATGAGCACGGAAGGTGGTGGCCGTCGCTGCCAGGCACAAGTGTCC[C>G]GCCGCATCTCCTTCAGCGCGAGCCACCGATTGTACAGGTAGGGTGTGCACACAGGTACAG-3'
Protein context (NP_000308.1, residues 6-26): GGRRCQAQVS[Arg16Gly]RISFSASHRL